The following is an entry in ClinVar:

ClinVar aggregate classification (germline): Likely pathogenic (1 of 4 stars; one submission).

Conditions:
Deficiency of beta-ureidopropionase (UPB1D). Also called: Beta-ureidopropionase deficiency. Identifiers: Orphanet 65287, MedGen C1291512, MONDO:0013164, OMIM 613161.

Submission:

Juno Genomics, Hangzhou Juno Genomics, Inc
Classification: Likely pathogenic for Deficiency of beta-ureidopropionase. Review status: criteria provided, single submitter. Criteria: ACMG Guidelines, 2015. Collection method: clinical testing. Allele origin: germline.
Comment: Null variant in a gene where loss of function (LOF) is a known mechanism of disease.;Absent from controls (or at extremely low frequency if recessive) in Genome Aggregation Database.

NM_016327.3(UPB1):c.767_768del (p.Pro256fs)

Gene: UPB1 (beta-ureidopropionase 1; plus strand). Cytogenetic location: 22q11.23.
Variant type: Deletion.
Coding change: c.767_768del on transcript NM_016327.3 (MANE Select); coding-DNA positions 767 to 768, 2 bases deleted (CC; older notation c.767_768delCC).
Protein change: p.Pro256fs; shifts the reading frame from proline 256.
Molecular consequence: frameshift variant.
Genome position (GRCh38, 1-based): chr22:24,515,346-24,515,347, CC deleted; deleting any 2 consecutive bases within chr22:24,515,344-24,515,347 gives the same sequence; the c. name uses the placement nearest the transcript's 3' end. VCF-style (leftmost placement, unchanged base first): chr22-24515343-ACC-A. GRCh37 (hg19) VCF-style: chr22-24911311-ACC-A.
Other names: short protein forms P256fs.
Identifiers: ClinVar variation 5006469 (VCV005006469.2).